The following is an entry in ClinVar:

NM_022772.4(EPS8L2):c.477+10T>G

Genes: EPS8L2 (EPS8 signaling adaptor L2; plus strand), LOC130005076 (ATAC-STARR-seq lymphoblastoid silent region 3016; plus strand). Cytogenetic location: 11p15.5.
Variant type: single nucleotide variant.
Coding change: c.477+10T>G on transcript NM_022772.4 (MANE Select); 10 bases into the intron after coding-DNA position 477, T replaced by G.
Molecular consequence: intron variant.
Genome position (GRCh38, 1-based): chr11:720,756, T>G. VCF-style: chr11-720756-T-G. GRCh37 (hg19) VCF-style: chr11-720756-T-G.
Other names: c.477+10T>G (NM_001441192.1, NM_001441193.1); c.-57+10T>G (NM_001441194.1).
Identifiers: ClinVar variation 4981400 (VCV004981400.1).
Genomic context (GRCh38, chr11:720,756, plus strand): 5'-TCGGAGCAGAGCAAGCCGGATGTCCACTTCTTCCACTGCGATGAGGTGGAGGTGAGGCGG[T>G]GCCGGGCGGGGCAGGGTGGGGCCCCGCCGCGCCGCGCCCCGCCCTCCTGGCCGCCTGACG-3'

ClinVar aggregate classification (germline): Likely benign (1 of 4 stars; one submission).

Conditions:
EPS8L2-related disorder. Also called: EPS8L2-related condition.

Submission:

PreventionGenetics, part of Exact Sciences
Classification: Likely benign for EPS8L2-related condition. Last evaluated: 2026-08-31. Review status: criteria provided, single submitter. Criteria: ACMG Guidelines, 2015. Collection method: clinical testing. Allele origin: germline.
Comment: This variant is classified as likely benign based on ACMG/AMP sequence variant interpretation guidelines (Richards et al. 2015 PMID: 25741868, with internal and published modifications).